The following is an entry in ClinVar:

ClinVar aggregate classification (germline): Likely pathogenic (1 of 4 stars; one submission).

Conditions:
Opsismodysplasia (OPSMD). Also called: INPPL1-Related Opsismodysplasia. Identifiers: Orphanet 2746, MedGen C0432219, MONDO:0009785, OMIM 258480.

Submission:

Juno Genomics, Hangzhou Juno Genomics, Inc
Classification: Likely pathogenic for Opsismodysplasia. Review status: criteria provided, single submitter. Criteria: ACMG Guidelines, 2015. Collection method: clinical testing. Allele origin: germline.
Comment: Null variant in a gene where loss of function (LOF) is a known mechanism of disease.;Absent from controls (or at extremely low frequency if recessive) in Genome Aggregation Database.

NM_001567.4(INPPL1):c.2393G>A (p.Trp798Ter)

Gene: INPPL1 (inositol polyphosphate phosphatase like 1; plus strand). Cytogenetic location: 11q13.4.
Variant type: single nucleotide variant.
Coding change: c.2393G>A on transcript NM_001567.4 (MANE Select); coding-DNA position 2393, G replaced by A.
Protein change: p.Trp798Ter; replaces tryptophan 798 with a stop codon.
Molecular consequence: nonsense.
Genome position (GRCh38, 1-based): chr11:72,234,593, G>A. VCF-style: chr11-72234593-G-A. GRCh37 (hg19) VCF-style: chr11-71945637-G-A.
Other names: c.2252G>A, p.Trp751Ter (NM_001440437.1); c.2393G>A, p.Trp798Ter (NM_001440438.1, NM_001440435.1, NM_001440436.1); c.2459G>A, p.Trp820Ter (NM_001440434.1); short protein forms W751*, W820*, W798*.
Identifiers: ClinVar variation 5004978 (VCV005004978.2).